The following is an entry in ClinVar:

NM_000202.8(IDS):c.941T>C (p.Leu314Pro)

Genes: IDS (iduronate 2-sulfatase; minus strand), LOC106050102 (IDS recombination region; plus strand). Cytogenetic location: Xq28.
Variant type: single nucleotide variant.
Coding change: c.941T>C on transcript NM_000202.8 (MANE Select); coding-DNA position 941, T replaced by C.
Protein change: p.Leu314Pro; replaces leucine 314 with proline.
Molecular consequence: missense variant. On other transcripts: non-coding transcript variant (1).
Genome position (GRCh38, 1-based): chrX:149,490,379, A>G on the plus strand (T>C on the coding strand, the complement: IDS is on the minus strand). VCF-style: chrX-149490379-A-G. GRCh37 (hg19) VCF-style: chrX-148571910-A-G.
Other names: c.671T>C, p.Leu224Pro (NM_001166550.4); c.941T>C, p.Leu314Pro (NM_006123.5); short protein forms L224P, L314P.
Identifiers: ClinVar variation 3255891 (VCV003255891.2).

ClinVar aggregate classification (germline): Likely pathogenic (1 of 4 stars; one submission).

Conditions:
Mucopolysaccharidosis, MPS-II (MPS2). Also called: Hunter Syndrome; IDURONATE 2-SULFATASE DEFICIENCY; Mucopolysaccharidosis Type II; Mucopolysaccharidosis type 2; Attenuated MPS (subtype; formerly known as mild MPS II); Severe MPS II. Identifiers: Orphanet 580, Orphanet 79388, MedGen C0026705, MONDO:0010674, OMIM 309900.

Submission:

Laboratory of Diagnosis and Therapy of Lysosomal Disorders, University of Padova
Classification: Likely pathogenic for Mucopolysaccharidosis, MPS-II. Last evaluated: 2024-06-07. Review status: criteria provided, single submitter. Criteria: ACMG Guidelines, 2015. Collection method: literature only. Allele origin: germline. Affected: yes. Observed: 3 variant alleles.
Comment: Absent from controls (or at low frequency) in gnomAD database (PM2_Moderate), Missense variant in a gene with a low rate of benign missense variation (PP2_Supporting), Multiple lines of computational evidence support a deleterious effect (PP3_Supporting), Patient’s phenotype or family history highly specific for the disease (PP4_Strong)

Classification method: ACMG Guidelines [PMID:25741868] with modifications

Literature cited by the submitters: PubMed 9501270; PubMed 21829674; PubMed 36945845.